The following is an entry in ClinVar:

NC_012920.1(MT-ND1):m.3796A>G

Gene: MT-ND1 (mitochondrially encoded NADH dehydrogenase 1; plus strand).
Variant type: single nucleotide variant.
Genome position: chrM-3796-A-G.
Other names: 3796A-G.
Identifiers: ClinVar variation 9730 (VCV000009730.5), dbSNP rs28357970, ClinGen allele CA340947.

ClinVar aggregate classification (germline): Benign. Review status: criteria provided, multiple submitters, no conflicts (2 of 4 stars). 5 submissions from 5 submitters: Benign (4). 1 of the submissions does not count toward it. Last evaluated 2025-02-16.

Conditions:
Dystonia, adult-onset. Identifiers: MedGen C0752197.
Leigh syndrome (NULS). Also called: Leigh Disease; LEIGH SYNDROME, NUCLEAR; Leigh Syndrome (mtDNA deletion); Leigh's necrotizing encephalopathy; Leigh's disease; Leigh's syndrome. Identifiers: Orphanet 506, MedGen C2931891, MONDO:0009723, OMIM 256000.

Submissions (5):

Laboratory of Genetics, Children's Clinical University Hospital Latvia
Classification: Benign. Last evaluated: 2025-02-16. Review status: criteria provided, single submitter. Criteria: ACMG Guidelines, 2015. Collection method: clinical testing. Allele origin: germline. Affected: yes.

Wong Mito Lab, Molecular and Human Genetics, Baylor College of Medicine
Classification: Benign for Leigh syndrome. Last evaluated: 2019-10-17. Review status: criteria provided, single submitter. Criteria: Modified ACMG Guidelines (Unpublished). Collection method: clinical testing. Allele origin: germline.
Comment: The NC_012920.1:m.3796A>G (YP_003024026.1:p.Thr164Ala) variant in MTND1 gene is interpretated to be a Benign variant based on the modified ACMG guidelines (unpublished). This variant meets the following evidence codes: BS1, BS2, BP4

Athena Diagnostics
Classification: Benign. Last evaluated: 2019-06-05. Review status: criteria provided, single submitter. Criteria: Athena Diagnostics Criteria. Collection method: clinical testing. Allele origin: germline.

Breakthrough Genomics
Classification: Benign. Review status: criteria provided, single submitter. Criteria: ACMG Guidelines, 2015. Collection method: not provided. Allele origin: germline. Inheritance: Unknown mechanism. Affected: yes.

OMIM
Classification: Pathogenic for DYSTONIA, ADULT-ONSET. Last evaluated: 2003-08-01. Review status: no assertion criteria provided. Collection method: literature only. Allele origin: germline. Not counted in ClinVar's aggregate classification.

Literature cited by the submitters: PubMed 12756609 (cited by Wong Mito Lab, Molecular and Human Genetics, Baylor College of Medicine and OMIM); PubMed 28821228 (cited by Athena Diagnostics); PubMed 11938495 (cited by OMIM).